The following is an entry in ClinVar:

ClinVar aggregate classification (germline): Conflicting classifications of pathogenicity. Review status: criteria provided, conflicting classifications (1 of 4 stars). 3 submissions from 3 submitters: Uncertain significance (2); Likely benign (1). Last evaluated 2026-01-08.

Conditions:
Ullrich congenital muscular dystrophy 2 (UCMD2). Identifiers: Orphanet 75840, MedGen C4225314, MONDO:0014654, OMIM 616470.
Bethlem myopathy 2 (BTHLM2). Identifiers: Orphanet 536516, Orphanet 610, MedGen C4225313, MONDO:0034022, OMIM 616471.
Inborn genetic diseases. Identifiers: MedGen C0950123, MeSH D030342.

Allele frequency attached by ClinVar (database versions not stated): ExAC 0.00001; TOPMed 0.00001; gnomAD exomes 0.00002.
gnomAD v4.1: 19 of 1,614,040 alleles (0.0012%); highest among the groups gnomAD compares: Admixed American, 0.0067%; no homozygotes.

Submissions (3):

Labcorp Genetics (formerly Invitae), Labcorp
Classification: Likely benign for Bethlem myopathy 2; Ullrich congenital muscular dystrophy 2. Last evaluated: 2026-01-08. Review status: criteria provided, single submitter. Criteria: Invitae Variant Classification Sherloc (09022015). Collection method: clinical testing. Allele origin: germline.

Ambry Genetics
Classification: Uncertain significance for Inborn genetic diseases. Last evaluated: 2025-09-25. Review status: criteria provided, single submitter. Criteria: Ambry Variant Classification Scheme 2023. Collection method: clinical testing. Allele origin: germline.

Women's Health and Genetics/Laboratory Corporation of America, LabCorp
Classification: Uncertain significance. Last evaluated: 2022-06-14. Review status: criteria provided, single submitter. Criteria: LabCorp Variant Classification Summary - May 2015. Collection method: clinical testing. Allele origin: germline.
Comment: Variant summary: COL12A1 c.1741C>T (p.Arg581Cys) results in a non-conservative amino acid change located in the von Willebrand factor, type A domain (IPR002035) of the encoded protein sequence. Five of five in-silico tools predict a damaging effect of the variant on protein function. The variant allele was found at a frequency of 2.4e-05 in 249376 control chromosomes (gnomAD). The available data on variant occurrences in the general population are insufficient to allow any conclusion about variant significance. To our knowledge, no occurrence of c.1741C>T in individuals affected with Bethlem Myopathy 2 and no experimental evidence demonstrating its impact on protein function have been reported. One clinical diagnostic laboratory has submitted clinical-significance assessments for this variant to ClinVar after 2014 and classified the variant as uncertain significance. Based on the evidence outlined above, the variant was classified as uncertain significance.

NM_004370.6(COL12A1):c.1741C>T (p.Arg581Cys)

Gene: COL12A1 (collagen type XII alpha 1 chain; minus strand). Cytogenetic location: 6q13.
Variant type: single nucleotide variant.
Coding change: c.1741C>T on transcript NM_004370.6 (MANE Select); coding-DNA position 1741, C replaced by T.
Protein change: p.Arg581Cys; replaces arginine 581 with cysteine.
Molecular consequence: missense variant. On other transcripts: intron variant (1).
Genome position (GRCh38, 1-based): chr6:75,183,200, G>A on the plus strand (C>T on the coding strand, the complement: COL12A1 is on the minus strand). VCF-style: chr6-75183200-G-A. GRCh37 (hg19) VCF-style: chr6-75892916-G-A.
Other names: c.73+19520C>T (NM_080645.3); short protein forms R581C.
Identifiers: ClinVar variation 949391 (VCV000949391.10), dbSNP rs764727126, ClinGen allele CA3894146.